The following is an entry in ClinVar:

NM_004655.4(AXIN2):c.516C>T (p.Asp172=)

Gene: AXIN2 (axin 2; minus strand). Cytogenetic location: 17q24.1.
Variant type: single nucleotide variant.
Coding change: c.516C>T on transcript NM_004655.4 (MANE Select); coding-DNA position 516, C replaced by T.
Protein change: p.Asp172=; no amino-acid change (aspartic acid 172 retained).
Molecular consequence: synonymous variant.
Genome position (GRCh38, 1-based): chr17:65,558,105, G>A on the plus strand (C>T on the coding strand, the complement: AXIN2 is on the minus strand). VCF-style: chr17-65558105-G-A. GRCh37 (hg19) VCF-style: chr17-63554223-G-A.
Other names: c.516C>T, p.Asp172= (NM_001363813.1).
Identifiers: ClinVar variation 729389 (VCV000729389.11), dbSNP rs1598119543, ClinGen allele CA501691791.

ClinVar aggregate classification (germline): Benign/Likely benign. Review status: criteria provided, multiple submitters, no conflicts (2 of 4 stars). 2 submissions from 2 submitters: Benign (1); Likely benign (1). Last evaluated 2024-06-26.

Conditions:
Oligodontia-cancer predisposition syndrome. Also called: TOOTH AGENESIS-COLORECTAL CANCER SYNDROME. Identifiers: Orphanet 300576, MedGen C1837750, MONDO:0012075, OMIM 608615. Disease mechanism: loss of function.

Allele frequency attached by ClinVar (database versions not stated): gnomAD exomes below 0.00001.
gnomAD v4.1: 1 of 1,613,984 alleles (0.000062%); highest among the groups gnomAD compares: Non-Finnish European, 0.000085%; no homozygotes.

Submissions (2):

Myriad Genetics, Inc.
Classification: Benign for Oligodontia-cancer predisposition syndrome. Last evaluated: 2024-06-26. Review status: criteria provided, single submitter. Criteria: Myriad Autosomal Dominant, Autosomal Recessive and X-Linked Classification Criteria (2023). Collection method: clinical testing. Allele origin: unknown.
Comment: This variant is considered benign. This variant is a silent/synonymous amino acid change and it is not expected to impact splicing.

Labcorp Genetics (formerly Invitae), Labcorp
Classification: Likely benign for Oligodontia-cancer predisposition syndrome. Last evaluated: 2023-07-31. Review status: criteria provided, single submitter. Criteria: Invitae Variant Classification Sherloc (09022015). Collection method: clinical testing. Allele origin: germline.